The following is an entry in ClinVar:

NM_005529.7(HSPG2):c.1084A>G (p.Lys362Glu)

Gene: HSPG2 (heparan sulfate proteoglycan 2; minus strand). Cytogenetic location: 1p36.12.
Variant type: single nucleotide variant.
Coding change: c.1084A>G on transcript NM_005529.7 (MANE Select); coding-DNA position 1084, A replaced by G.
Protein change: p.Lys362Glu; replaces lysine 362 with glutamic acid.
Molecular consequence: missense variant.
Genome position (GRCh38, 1-based): chr1:21,885,446, T>C on the plus strand (A>G on the coding strand, the complement: HSPG2 is on the minus strand). VCF-style: chr1-21885446-T-C. GRCh37 (hg19) VCF-style: chr1-22211939-T-C.
Other names: c.1084A>G, p.Lys362Glu (NM_001291860.2); short protein forms K362E.
Identifiers: ClinVar variation 1449988 (VCV001449988.8), dbSNP rs150181704, ClinGen allele CA673571.

ClinVar aggregate classification (germline): Uncertain significance (1 of 4 stars; one submission).

Allele frequency attached by ClinVar (database versions not stated): ExAC 0.00001; gnomAD exomes 0.00001; ESP Exome Variant Server 0.00008.
gnomAD v4.1: 5 of 1,614,016 alleles (0.00031%); highest among the groups gnomAD compares: Non-Finnish European, 0.00034%; no homozygotes.

Submission:

Labcorp Genetics (formerly Invitae), Labcorp
Classification: Uncertain significance. Last evaluated: 2023-01-26. Review status: criteria provided, single submitter. Criteria: Invitae Variant Classification Sherloc (09022015). Collection method: clinical testing. Allele origin: germline.
Comment: This variant is present in population databases (rs150181704, gnomAD 0.0009%). In summary, the available evidence is currently insufficient to determine the role of this variant in disease. Therefore, it has been classified as a Variant of Uncertain Significance. Algorithms developed to predict the effect of missense changes on protein structure and function are either unavailable or do not agree on the potential impact of this missense change (SIFT: "Deleterious"; PolyPhen-2: "Benign"; Align-GVGD: "Class C0"). ClinVar contains an entry for this variant (Variation ID: 1449988). This variant has not been reported in the literature in individuals affected with HSPG2-related conditions. This sequence change replaces lysine, which is basic and polar, with glutamic acid, which is acidic and polar, at codon 362 of the HSPG2 protein (p.Lys362Glu).